The following is an entry in ClinVar:

NM_014003.4(DHX38):c.3487C>T (p.Arg1163Cys)

Gene: DHX38 (DEAH-box helicase 38; plus strand). Cytogenetic location: 16q22.2.
Variant type: single nucleotide variant.
Coding change: c.3487C>T on transcript NM_014003.4 (MANE Select); coding-DNA position 3487, C replaced by T.
Protein change: p.Arg1163Cys; replaces arginine 1163 with cysteine.
Molecular consequence: missense variant.
Genome position (GRCh38, 1-based): chr16:72,110,965, C>T. VCF-style: chr16-72110965-C-T. GRCh37 (hg19) VCF-style: chr16-72144864-C-T.
Other names: short protein forms R1163C.
Identifiers: ClinVar variation 1383532 (VCV001383532.8), dbSNP rs777703537, ClinGen allele CA8161016.

ClinVar aggregate classification (germline): Uncertain significance (1 of 4 stars; one submission).

Allele frequency attached by ClinVar (database versions not stated): gnomAD exomes 0.00001; ExAC 0.00003.

Submission:

Labcorp Genetics (formerly Invitae), Labcorp
Classification: Uncertain significance. Last evaluated: 2022-07-17. Review status: criteria provided, single submitter. Criteria: Invitae Variant Classification Sherloc (09022015). Collection method: clinical testing. Allele origin: germline.
Comment: This sequence change replaces arginine, which is basic and polar, with cysteine, which is neutral and slightly polar, at codon 1163 of the DHX38 protein (p.Arg1163Cys). The frequency data for this variant in the population databases is considered unreliable, as metrics indicate poor data quality at this position in the gnomAD database. This variant has not been reported in the literature in individuals affected with DHX38-related conditions. ClinVar contains an entry for this variant (Variation ID: 1383532). Algorithms developed to predict the effect of missense changes on protein structure and function (SIFT, PolyPhen-2, Align-GVGD) all suggest that this variant is likely to be disruptive. In summary, the available evidence is currently insufficient to determine the role of this variant in disease. Therefore, it has been classified as a Variant of Uncertain Significance.